The following is an entry in ClinVar:

ClinVar aggregate classification (germline): Uncertain significance (1 of 4 stars; one submission).

Conditions:
Hereditary nonpolyposis colorectal neoplasms. Identifiers: MedGen C0009405, MeSH D003123.

Submission:

Labcorp Genetics (formerly Invitae), Labcorp
Classification: Uncertain significance for Hereditary nonpolyposis colorectal neoplasms. Last evaluated: 2020-03-03. Review status: criteria provided, single submitter. Criteria: Invitae Variant Classification Sherloc (09022015). Collection method: clinical testing. Allele origin: germline.
Comment: This sequence change replaces leucine with isoleucine at codon 1330 of the MSH6 protein (p.Leu1330Ile). The leucine residue is highly conserved and there is a small physicochemical difference between leucine and isoleucine. This variant is not present in population databases (ExAC no frequency). This variant has not been reported in the literature in individuals with MSH6-related conditions. Algorithms developed to predict the effect of missense changes on protein structure and function are either unavailable or do not agree on the potential impact of this missense change (SIFT: "Deleterious"; PolyPhen-2: "Probably Damaging"; Align-GVGD: "Class C0"). In summary, the available evidence is currently insufficient to determine the role of this variant in disease. Therefore, it has been classified as a Variant of Uncertain Significance.

NM_000179.3(MSH6):c.3988C>A (p.Leu1330Ile)

Gene: MSH6 (mutS homolog 6; plus strand). Cytogenetic location: 2p16.3.
Variant type: single nucleotide variant.
Coding change: c.3988C>A on transcript NM_000179.3 (MANE Select); coding-DNA position 3988, C replaced by A.
Protein change: p.Leu1330Ile; replaces leucine 1330 with isoleucine.
Molecular consequence: missense variant.
Genome position (GRCh38, 1-based): chr2:47,806,638, C>A. VCF-style: chr2-47806638-C-A. GRCh37 (hg19) VCF-style: chr2-48033777-C-A.
Other names: c.3598C>A, p.Leu1200Ile (NM_001281492.2); c.3082C>A, p.Leu1028Ile (NM_001281493.2, NM_001281494.2); short protein forms L1028I, L1200I, L1330I.
Identifiers: ClinVar variation 1052518 (VCV001052518.9), dbSNP rs768944975, ClinGen allele CA346761590.